The following is an entry in ClinVar:

ClinVar aggregate classification (germline): Pathogenic (1 of 4 stars; one submission).

Conditions:
Schimke immuno-osseous dysplasia (SIOD). Also called: Schimke Immunoosseous Dysplasia. Identifiers: Orphanet 1830, MedGen C0877024, MONDO:0009458, OMIM 242900.

Submission:

Labcorp Genetics (formerly Invitae), Labcorp
Classification: Pathogenic for Schimke immuno-osseous dysplasia. Last evaluated: 2022-10-31. Review status: criteria provided, single submitter. Criteria: Invitae Variant Classification Sherloc (09022015). Collection method: clinical testing. Allele origin: germline.
Comment: For these reasons, this variant has been classified as Pathogenic. This variant has not been reported in the literature in individuals affected with SMARCAL1-related conditions. This variant is not present in population databases (gnomAD no frequency). This sequence change creates a premature translational stop signal (p.Pro398Cysfs*40) in the SMARCAL1 gene. It is expected to result in an absent or disrupted protein product. Loss-of-function variants in SMARCAL1 are known to be pathogenic (PMID: 11799392, 20301550).

Literature cited by the submitters: PubMed 11799392; PubMed 20301550.

NM_014140.4(SMARCAL1):c.1189_1190dup (p.Pro398fs)

Gene: SMARCAL1 (SNF2 related chromatin remodeling annealing helicase 1; plus strand). Cytogenetic location: 2q35.
Variant type: Microsatellite.
Coding change: c.1189_1190dup on transcript NM_014140.4 (MANE Select); coding-DNA positions 1189 to 1190, 2 bases duplicated (CT; older notation c.1189_1190dupCT).
Protein change: p.Pro398fs; shifts the reading frame from proline 398.
Molecular consequence: frameshift variant.
Genome position (GRCh38, 1-based): chr2:216,428,637-216,428,638, CT duplicated; duplicating any 2 consecutive bases within chr2:216,428,635-216,428,638 gives the same sequence; the c. name uses the placement nearest the transcript's 3' end. VCF-style (leftmost placement, unchanged base first): chr2-216428634-C-CCT. GRCh37 (hg19) VCF-style: chr2-217293357-C-CCT.
Other names: c.1189_1190dup, p.Pro398fs (NM_001127207.2); short protein forms P398fs.
Identifiers: ClinVar variation 2810925 (VCV002810925.3), dbSNP rs2469633152, ClinGen allele CA2739279535.